The following is an entry in ClinVar:

NM_001378030.1(CCDC78):c.488del (p.Ser163fs)

Gene: CCDC78 (coiled-coil domain containing 78; minus strand). Cytogenetic location: 16p13.3.
Variant type: Deletion.
Coding change: c.488del on transcript NM_001378030.1 (MANE Select); coding-DNA position 488, one base deleted (G; older notation c.488delG).
Protein change: p.Ser163fs; shifts the reading frame from serine 163.
Molecular consequence: frameshift variant. On other transcripts: non-coding transcript variant (5).
Genome position (GRCh38, 1-based): chr16:725,241, C deleted on the plus strand (G on the coding strand, the reverse complement: CCDC78 is on the minus strand). VCF-style (leftmost placement, unchanged base first): chr16-725240-GC-G. GRCh37 (hg19) VCF-style: chr16-775240-GC-G.
Other names: c.488del, p.Ser163fs (NM_001031737.3, NM_001378031.1); c.35del, p.Ser12fs (NM_001378033.1); short protein forms S163fs, S12fs.
Identifiers: ClinVar variation 2743876 (VCV002743876.3), dbSNP rs761119447, ClinGen allele CA7789578.

ClinVar aggregate classification (germline): Uncertain significance (1 of 4 stars; one submission).

Conditions:
Congenital myopathy with internal nuclei and atypical cores. Also called: Myopathy, centronuclear, 4. Identifiers: Orphanet 319160, MedGen C4707232, MONDO:0013890, OMIM 614807.

Allele frequency attached by ClinVar (database versions not stated): gnomAD exomes below 0.00001; ExAC 0.00001.

Submission:

Labcorp Genetics (formerly Invitae), Labcorp
Classification: Uncertain significance for Congenital myopathy with internal nuclei and atypical cores. Last evaluated: 2023-09-08. Review status: criteria provided, single submitter. Criteria: Invitae Variant Classification Sherloc (09022015). Collection method: clinical testing. Allele origin: germline.
Comment: In summary, the available evidence is currently insufficient to determine the role of this variant in disease. Therefore, it has been classified as a Variant of Uncertain Significance. This variant has not been reported in the literature in individuals affected with CCDC78-related conditions. This variant is present in population databases (rs761119447, gnomAD 0.0009%). This sequence change creates a premature translational stop signal (p.Ser163Thrfs*7) in the CCDC78 gene. It is expected to result in an absent or disrupted protein product. However, the current clinical and genetic evidence is not sufficient to establish whether loss-of-function variants in CCDC78 cause disease.